The following is an entry in ClinVar:

NM_000428.3(LTBP2):c.1488C>T (p.Gly496=)

Gene: LTBP2 (latent transforming growth factor beta binding protein 2; minus strand). Cytogenetic location: 14q24.3.
Variant type: single nucleotide variant.
Coding change: c.1488C>T on transcript NM_000428.3 (MANE Select); coding-DNA position 1488, C replaced by T.
Protein change: p.Gly496=; no amino-acid change (glycine 496 retained).
Molecular consequence: synonymous variant.
Genome position (GRCh38, 1-based): chr14:74,551,262, G>A on the plus strand (C>T on the coding strand, the complement: LTBP2 is on the minus strand). VCF-style: chr14-74551262-G-A. GRCh37 (hg19) VCF-style: chr14-75017965-G-A.
Other names: c.1488C>T (NM_000428.2).
Identifiers: ClinVar variation 1628071 (VCV001628071.10), dbSNP rs763762642, ClinGen allele CA7269865.

ClinVar aggregate classification (germline): Likely benign. Review status: criteria provided, single submitter (1 of 4 stars). 2 submissions from 2 submitters: Likely benign (1). 1 of the submissions does not count toward it. Last evaluated 2026-01-07.

Conditions:
LTBP2-related disorder. Also called: LTBP2-related condition; LTBP2-related disorders.

Allele frequency attached by ClinVar (database versions not stated): gnomAD 0.00004; ExAC 0.00006; gnomAD exomes 0.00006; TOPMed 0.00006.
gnomAD v4.1: 100 of 1,610,250 alleles (0.0062%); highest among the groups gnomAD compares: Non-Finnish European, 0.0082%; no homozygotes.

Submissions (2):

Labcorp Genetics (formerly Invitae), Labcorp
Classification: Likely benign. Last evaluated: 2026-01-07. Review status: criteria provided, single submitter. Criteria: Invitae Variant Classification Sherloc (09022015). Collection method: clinical testing. Allele origin: germline.

PreventionGenetics, part of Exact Sciences
Classification: Likely benign for LTBP2-related condition. Last evaluated: 2019-05-28. Review status: no assertion criteria provided. Collection method: clinical testing. Allele origin: germline. Not counted in ClinVar's aggregate classification.
Comment: This variant is classified as likely benign based on ACMG/AMP sequence variant interpretation guidelines (Richards et al. 2015 PMID: 25741868, with internal and published modifications).